The following is an entry in ClinVar:

NM_020822.3(KCNT1):c.2044C>T (p.Arg682Trp)

Gene: KCNT1 (potassium sodium-activated channel subfamily T member 1; plus strand). Cytogenetic location: 9q34.3.
Variant type: single nucleotide variant.
Coding change: c.2044C>T on transcript NM_020822.3 (MANE Select); coding-DNA position 2044, C replaced by T.
Protein change: p.Arg682Trp; replaces arginine 682 with tryptophan.
Molecular consequence: missense variant.
Genome position (GRCh38, 1-based): chr9:135,772,750, C>T. VCF-style: chr9-135772750-C-T. GRCh37 (hg19) VCF-style: chr9-138664596-C-T.
Other names: c.1909C>T, p.Arg637Trp (NM_001272003.2); short protein forms R682W, R637W.
Identifiers: ClinVar variation 571802 (VCV000571802.15), dbSNP rs750994724, ClinGen allele CA5327170.

ClinVar aggregate classification (germline): Uncertain significance. Review status: criteria provided, multiple submitters, no conflicts (2 of 4 stars). 4 submissions from 4 submitters: Uncertain significance (4). Last evaluated 2023-12-09.

Conditions:
Autosomal dominant nocturnal frontal lobe epilepsy 5. Also called: Epilepsy, nocturnal frontal lobe, 5; CILIARY DYSKINESIA, PRIMARY, 28, WITHOUT SITUS INVERSUS; CILIARY DYSKINESIA, PRIMARY, 28, WITH SITUS INVERSUS; KCNT1-Related Epilepsy. Identifiers: Orphanet 98784, MedGen C3554306, MONDO:0014002, OMIM 615005.
Developmental and epileptic encephalopathy, 14 (DEE14). Also called: Early infantile epileptic encephalopathy 14. Identifiers: Orphanet 293181, MedGen C3554195, MONDO:0013989, OMIM 614959.

Allele frequency attached by ClinVar (database versions not stated): ExAC below 0.00001; gnomAD exomes 0.00001 and 0.00008; gnomAD 0.00002; TOPMed 0.00002.
gnomAD v4.1: 19 of 1,441,830 alleles (0.0013%); highest among the groups gnomAD compares: Middle Eastern, 0.018%; 1 homozygote.

Submissions (4):

Labcorp Genetics (formerly Invitae), Labcorp
Classification: Uncertain significance for Autosomal dominant nocturnal frontal lobe epilepsy 5; Developmental and epileptic encephalopathy, 14. Last evaluated: 2023-12-09. Review status: criteria provided, single submitter. Criteria: Invitae Variant Classification Sherloc (09022015). Collection method: clinical testing. Allele origin: germline.
Comment: This sequence change replaces arginine, which is basic and polar, with tryptophan, which is neutral and slightly polar, at codon 682 of the KCNT1 protein (p.Arg682Trp). This variant is present in population databases (rs750994724, gnomAD 0.02%), and has an allele count higher than expected for a pathogenic variant. This variant has not been reported in the literature in individuals affected with KCNT1-related conditions. ClinVar contains an entry for this variant (Variation ID: 571802). Advanced modeling of protein sequence and biophysical properties (such as structural, functional, and spatial information, amino acid conservation, physicochemical variation, residue mobility, and thermodynamic stability) performed at Invitae indicates that this missense variant is not expected to disrupt KCNT1 protein function with a negative predictive value of 80%. In summary, the available evidence is currently insufficient to determine the role of this variant in disease. Therefore, it has been classified as a Variant of Uncertain Significance.

Genome-Nilou Lab
Classification: Uncertain significance for Autosomal dominant nocturnal frontal lobe epilepsy 5. Last evaluated: 2021-08-10. Review status: criteria provided, single submitter. Criteria: ACMG Guidelines, 2015. Collection method: clinical testing. Allele origin: germline. Affected: no.

Genomic Research Center, Shahid Beheshti University of Medical Sciences
Classification: Uncertain significance for Early infantile epileptic encephalopathy 14. Last evaluated: 2020-05-03. Review status: criteria provided, single submitter. Criteria: ACMG Guidelines, 2015. Collection method: clinical testing. Allele origin: unknown. Affected: yes.

Fulgent Genetics
Classification: Uncertain significance for Developmental and epileptic encephalopathy, 14; Autosomal dominant nocturnal frontal lobe epilepsy 5. Last evaluated: 2018-10-31. Review status: criteria provided, single submitter. Criteria: ACMG Guidelines, 2015. Collection method: clinical testing. Allele origin: unknown.